The following is an entry in ClinVar:

ClinVar aggregate classification (germline): Uncertain significance (1 of 4 stars; one submission).

Allele frequency attached by ClinVar (database versions not stated): gnomAD 0.00001.
gnomAD v4.1: 1 of 1,611,386 alleles (0.000062%); highest among the groups gnomAD compares: Admixed American, 0.0017%; no homozygotes.

Submission:

Labcorp Genetics (formerly Invitae), Labcorp
Classification: Uncertain significance. Last evaluated: 2022-06-27. Review status: criteria provided, single submitter. Criteria: Invitae Variant Classification Sherloc (09022015). Collection method: clinical testing. Allele origin: germline.
Comment: In summary, the available evidence is currently insufficient to determine the role of this variant in disease. Therefore, it has been classified as a Variant of Uncertain Significance. Advanced modeling of protein sequence and biophysical properties (such as structural, functional, and spatial information, amino acid conservation, physicochemical variation, residue mobility, and thermodynamic stability) performed at Invitae indicates that this missense variant is not expected to disrupt CPLANE1 protein function. This variant has not been reported in the literature in individuals affected with CPLANE1-related conditions. This variant is not present in population databases (gnomAD no frequency). This sequence change replaces valine, which is neutral and non-polar, with glycine, which is neutral and non-polar, at codon 3067 of the CPLANE1 protein (p.Val3067Gly).

NM_001384732.1(CPLANE1):c.9362T>G (p.Val3121Gly)

Gene: CPLANE1 (ciliogenesis and planar polarity effector complex subunit 1; minus strand). Cytogenetic location: 5p13.2.
Variant type: single nucleotide variant.
Coding change: c.9362T>G on transcript NM_001384732.1 (MANE Select); coding-DNA position 9362, T replaced by G.
Protein change: p.Val3121Gly; replaces valine 3121 with glycine.
Molecular consequence: missense variant.
Genome position (GRCh38, 1-based): chr5:37,114,998, A>C on the plus strand (T>G on the coding strand, the complement: CPLANE1 is on the minus strand). VCF-style: chr5-37114998-A-C. GRCh37 (hg19) VCF-style: chr5-37115100-A-C.
Other names: c.9200T>G, p.Val3067Gly (NM_023073.4); short protein forms V3121G, V3067G.
Identifiers: ClinVar variation 1345416 (VCV001345416.8), dbSNP rs1016289018, ClinGen allele CA117051793.